The following is an entry in ClinVar:

ClinVar aggregate classification (germline): Uncertain significance. Review status: criteria provided, multiple submitters, no conflicts (2 of 4 stars). 4 submissions from 4 submitters: Uncertain significance (4). Last evaluated 2025-07-08.

Conditions:
Inborn genetic diseases. Identifiers: MedGen C0950123, MeSH D030342.
RYR1-related disorder. Also called: RYR1-related condition; RYR1-related disorders. Identifiers: MedGen CN239331.

Allele frequency attached by ClinVar (database versions not stated): TOPMed 0.00001.
gnomAD v4.1: 3 of 1,613,128 alleles (0.00019%); highest among the groups gnomAD compares: Admixed American, 0.0033%; no homozygotes.

Submissions (4):

Ambry Genetics
Classification: Uncertain significance for Inborn genetic diseases. Last evaluated: 2025-07-08. Review status: criteria provided, single submitter. Criteria: Ambry Variant Classification Scheme 2023. Collection method: clinical testing. Allele origin: germline.

GeneDx
Classification: Uncertain significance. Last evaluated: 2025-03-02. Review status: criteria provided, single submitter. Criteria: GeneDx Variant Classification Process June 2021. Collection method: clinical testing. Allele origin: germline. Affected: yes.
Comment: Not observed at significant frequency in large population cohorts (gnomAD); In silico analysis supports that this missense variant has a deleterious effect on protein structure/function; Has not been previously published as pathogenic or benign to our knowledge

Labcorp Genetics (formerly Invitae), Labcorp
Classification: Uncertain significance for RYR1-related disorder. Last evaluated: 2021-08-31. Review status: criteria provided, single submitter. Criteria: Invitae Variant Classification Sherloc (09022015). Collection method: clinical testing. Allele origin: germline.
Comment: This sequence change replaces methionine with lysine at codon 3781 of the RYR1 protein (p.Met3781Lys). The methionine residue is highly conserved and there is a moderate physicochemical difference between methionine and lysine. This variant is not present in population databases (ExAC no frequency). This variant has not been reported in the literature in individuals affected with RYR1-related conditions. Advanced modeling of protein sequence and biophysical properties (such as structural, functional, and spatial information, amino acid conservation, physicochemical variation, residue mobility, and thermodynamic stability) performed at Invitae indicates that this missense variant is expected to disrupt RYR1 protein function. In summary, the available evidence is currently insufficient to determine the role of this variant in disease. Therefore, it has been classified as a Variant of Uncertain Significance.

Revvity Omics, Revvity
Classification: Uncertain significance. Last evaluated: 2019-11-05. Review status: criteria provided, single submitter. Criteria: ACMG Guidelines, 2015. Collection method: clinical testing. Allele origin: germline.

NM_000540.3(RYR1):c.11342T>A (p.Met3781Lys)

Gene: RYR1 (ryanodine receptor 1; plus strand). Cytogenetic location: 19q13.2.
Variant type: single nucleotide variant.
Coding change: c.11342T>A on transcript NM_000540.3 (MANE Select); coding-DNA position 11342, T replaced by A.
Protein change: p.Met3781Lys; replaces methionine 3781 with lysine.
Molecular consequence: missense variant.
Genome position (GRCh38, 1-based): chr19:38,534,802, T>A. VCF-style: chr19-38534802-T-A. GRCh37 (hg19) VCF-style: chr19-39025442-T-A.
Other names: c.11342T>A (NM_000540.2); c.11327T>A, p.Met3776Lys (NM_001042723.2); short protein forms M3776K, M3781K.
Identifiers: ClinVar variation 1507514 (VCV001507514.9), dbSNP rs973487940, ClinGen allele CA308085634.